The following is an entry in ClinVar:

NM_019616.4(F7):c.868G>A (p.Val290Met)

Gene: F7 (coagulation factor VII; plus strand). Cytogenetic location: 13q34.
Variant type: single nucleotide variant.
Coding change: c.868G>A on transcript NM_019616.4 (MANE Select); coding-DNA position 868, G replaced by A.
Protein change: p.Val290Met; replaces valine 290 with methionine.
Molecular consequence: missense variant. On other transcripts: non-coding transcript variant (1).
Genome position (GRCh38, 1-based): chr13:113,118,541, G>A. VCF-style: chr13-113118541-G-A. GRCh37 (hg19) VCF-style: chr13-113772855-G-A.
Other names: p.Val312Met; c.934G>A, p.Val312Met (NM_000131.5); c.682G>A, p.Val228Met (NM_001267554.2); short protein forms V228M, V290M, V312M.
Identifiers: ClinVar variation 1677255 (VCV001677255.8), dbSNP rs201991361, ClinGen allele CA7060172.

ClinVar aggregate classification (germline): Pathogenic/Likely pathogenic. Review status: criteria provided, multiple submitters, no conflicts (2 of 4 stars). 5 submissions from 5 submitters: Pathogenic (2); Likely pathogenic (3). Last evaluated 2026-02-05.

Conditions:
Congenital factor VII deficiency. Identifiers: Orphanet 327, MedGen C0272320, MONDO:0009211, OMIM 227500.
Myocardial infarction, susceptibility to. Identifiers: MedGen C1832662, MONDO:0012039, OMIM 608446.
F7-related disorder. Also called: F7-related condition.

Allele frequency attached by ClinVar (database versions not stated): gnomAD 0.00005; ESP Exome Variant Server 0.00008.
gnomAD v4.1: 144 of 1,612,278 alleles (0.0089%); highest among the groups gnomAD compares: Non-Finnish European, 0.012%; no homozygotes.

Submissions (5):

PreventionGenetics, part of Exact Sciences
Classification: Likely pathogenic for F7-related condition. Last evaluated: 2026-02-05. Review status: criteria provided, single submitter. Criteria: ACMG Guidelines, 2015. Collection method: clinical testing. Allele origin: germline.
Comment: The F7 c.934G>A variant is predicted to result in the amino acid substitution p.Val312Met. This variant, alternatively referred to as p.Val252Met using legacy nomenclature, has been reported in the compound heterozygous state in individuals with factor VII deficiency (see, for example: Wulff and Hermann. 2000. PubMed ID: 10862079; Pikija et al. 2018. PubMed ID: 29318701; Van Laer et al. 2023. PubMed ID: 36696193). This variant was reported as likely pathogenic or pathogenic in ClinVar (Variation ID: 1677255). This variant is reported in 0.012% of alleles in individuals of European (Non-Finnish) descent in gnomAD. This variant is interpreted as likely pathogenic.

Mayo Clinic Laboratories, Mayo Clinic
Classification: Pathogenic. Last evaluated: 2025-05-07. Review status: criteria provided, single submitter. Criteria: ACMG Guidelines, 2015. Collection method: clinical testing. Allele origin: germline. Observed: 5 variant alleles.
Comment: PM2_supporting, PM3_strong, PS4_very_strong

Fulgent Genetics
Classification: Likely pathogenic for Congenital factor VII deficiency; Myocardial infarction, susceptibility to. Last evaluated: 2024-02-06. Review status: criteria provided, single submitter. Criteria: ACMG Guidelines, 2015. Collection method: clinical testing. Allele origin: germline.

Women's Health and Genetics/Laboratory Corporation of America, LabCorp
Classification: Pathogenic for Congenital factor VII deficiency. Last evaluated: 2023-10-16. Review status: criteria provided, single submitter. Criteria: LabCorp Variant Classification Summary - May 2015. Collection method: clinical testing. Allele origin: germline.
Comment: Variant summary: F7 c.934G>A (p.Val312Met) results in a conservative amino acid change located in the Serine proteases, trypsin domain (IPR001254) of the encoded protein sequence. Four of five in-silico tools predict a damaging effect of the variant on protein function. The variant allele was found at a frequency of 6.8e-05 in 249572 control chromosomes (gnomAD). c.934G>A has been reported in the literature in multiple individuals affected with Congenital factor VII deficiency (Wulff_2000, Millar_2000, Pikja_2018), and some were reported as compound heterozygous with another (likely) pathogenic variant. These data indicate that the variant is very likely to be associated with disease. The following publications have been ascertained in the context of this evaluation (PMID: 10862079, 11129332, 29318701). One submitter has cited a clinical-significance assessment for this variant to ClinVar after 2014 and has classified the variant as likely pathogenic. Based on the evidence outlined above, the variant was classified as pathogenic.

ISTH-SSC Genomics in Thrombosis and Hemostasis, KU Leuven, Center for Molecular and Vascular Biology
Classification: Likely pathogenic for Congenital factor VII deficiency. Review status: criteria provided, single submitter. Criteria: ACMG Guidelines, 2015. Collection method: clinical testing. Allele origin: germline. Affected: yes. Observed: 1 heterozygote.
Comment: Submitted to the GoldVariant database by Kathleen Freson, Center for Molecular and Vascular Biology

Literature cited by the submitters: PubMed 10862079 (cited by Mayo Clinic Laboratories, Mayo Clinic and Women's Health and Genetics/Laboratory Corporation of America, LabCorp); PubMed 11092214 (cited by Mayo Clinic Laboratories, Mayo Clinic); PubMed 11129332 (cited by Mayo Clinic Laboratories, Mayo Clinic and Women's Health and Genetics/Laboratory Corporation of America, LabCorp); PubMed 29318701 (cited by Mayo Clinic Laboratories, Mayo Clinic and Women's Health and Genetics/Laboratory Corporation of America, LabCorp); PubMed 32333443 (cited by Mayo Clinic Laboratories, Mayo Clinic); PubMed 36696193 (cited by Mayo Clinic Laboratories, Mayo Clinic); PubMed 38397060 (cited by Mayo Clinic Laboratories, Mayo Clinic).